The following is an entry in ClinVar:

NM_000093.5(COL5A1):c.2735G>A (p.Arg912Gln)

Gene: COL5A1 (collagen type V alpha 1 chain; plus strand). Cytogenetic location: 9q34.3.
Variant type: single nucleotide variant.
Coding change: c.2735G>A on transcript NM_000093.5 (MANE Select); coding-DNA position 2735, G replaced by A.
Protein change: p.Arg912Gln; replaces arginine 912 with glutamine.
Molecular consequence: missense variant.
Genome position (GRCh38, 1-based): chr9:134,795,116, G>A. VCF-style: chr9-134795116-G-A. GRCh37 (hg19) VCF-style: chr9-137686962-G-A.
Other names: c.2735G>A (NM_000093.3); c.2735G>A, p.Arg912Gln (NM_001278074.1); short protein forms R912Q.
Identifiers: ClinVar variation 855820 (VCV000855820.10), dbSNP rs1437668038, ClinGen allele CA375456518.
Genomic context (GRCh38, chr9:134,795,116, plus strand): 5'-CTGACCAGCCCCTTCTCTGATTCTAGGGGACCCCTGGAAAGCCAGGACCGCGGGGGCAGC[G>A]AGGCCCAACGGTAACCACCCTTTCAGCTTGTGGGCATGTTTGGGAAACGGGAGCATGGTT-3'
Protein context (NP_000084.3, residues 902-922): TPGKPGPRGQ[Arg912Gln]GPTGPRGERG

ClinVar aggregate classification (germline): Uncertain significance. Review status: criteria provided, multiple submitters, no conflicts (2 of 4 stars). 2 submissions from 2 submitters: Uncertain significance (2). Last evaluated 2026-03-31.

Conditions:
Familial thoracic aortic aneurysm and aortic dissection (TAAD). Also called: Thoracic aortic aneurysms and dissections. Identifiers: Orphanet 91387, MedGen C4707243, MONDO:0019625.
Ehlers-Danlos syndrome, classic type, 1 (EDSCL1). Also called: Ehlers-Danlos syndrome, type 1; Ehlers-Danlos Syndrome, Classic Type, COL5A1-Related; EDS I; EHLERS-DANLOS SYNDROME, GRAVIS TYPE; EHLERS-DANLOS SYNDROME, SEVERE CLASSIC TYPE. Identifiers: MedGen C0268335, MONDO:0019567, OMIM 130000.

Allele frequency attached by ClinVar (database versions not stated): TOPMed 0.00001; gnomAD exomes 0.00002.
gnomAD v4.1: 27 of 1,614,078 alleles (0.0017%); highest among the groups gnomAD compares: Non-Finnish European, 0.0022%; no homozygotes.

Submissions (2):

Ambry Genetics
Classification: Uncertain significance for Familial thoracic aortic aneurysm and aortic dissection. Last evaluated: 2026-03-31. Review status: criteria provided, single submitter. Criteria: Ambry Variant Classification Scheme 2023. Collection method: clinical testing. Allele origin: germline.

Labcorp Genetics (formerly Invitae), Labcorp
Classification: Uncertain significance for Ehlers-Danlos syndrome, classic type, 1. Last evaluated: 2023-01-13. Review status: criteria provided, single submitter. Criteria: Invitae Variant Classification Sherloc (09022015). Collection method: clinical testing. Allele origin: germline.
Comment: This sequence change replaces arginine, which is basic and polar, with glutamine, which is neutral and polar, at codon 912 of the COL5A1 protein (p.Arg912Gln). In summary, the available evidence is currently insufficient to determine the role of this variant in disease. Therefore, it has been classified as a Variant of Uncertain Significance. Advanced modeling of protein sequence and biophysical properties (such as structural, functional, and spatial information, amino acid conservation, physicochemical variation, residue mobility, and thermodynamic stability) performed at Invitae indicates that this missense variant is not expected to disrupt COL5A1 protein function. ClinVar contains an entry for this variant (Variation ID: 855820). This variant has not been reported in the literature in individuals affected with COL5A1-related conditions. This variant is not present in population databases (gnomAD no frequency).